The following is an entry in ClinVar:

ClinVar aggregate classification (germline): Likely benign. Review status: criteria provided, multiple submitters, no conflicts (2 of 4 stars). 6 submissions from 6 submitters: Likely benign (6). Last evaluated 2026-02-01.

Conditions:
Wolfram syndrome 1 (WFS1). Identifiers: Orphanet 3463, MedGen C4551693, MONDO:0009101, OMIM 222300.
Autosomal dominant nonsyndromic hearing loss 6 (LFSNHL). Also called: DEAFNESS, AUTOSOMAL DOMINANT 6; DEAFNESS, AUTOSOMAL DOMINANT 14; DEAFNESS, AUTOSOMAL DOMINANT 38; Autosomal dominant nonsyndromic deafness 6. Identifiers: Orphanet 90635, MedGen C1833021, MONDO:0010963, OMIM 600965.
Type 2 diabetes mellitus. Also called: Type II diabetes mellitus. Identifiers: MedGen C0011860, MeSH D003924, MONDO:0005148, OMIM 125853, HP:0005978.
Wolfram-like syndrome. Also called: HEARING LOSS, PROGRESSIVE, WITH OPTIC ATROPHY AND/OR IMPAIRED GLUCOSE REGULATION. Identifiers: Orphanet 411590, MedGen C3280358, MONDO:0013673, OMIM 614296.
Cataract 41 (CTRCT41). Also called: CATARACT 41, CONGENITAL NUCLEAR TYPE. Identifiers: Orphanet 91492, Orphanet 98991, Orphanet 98992, Orphanet 98995, MedGen C3805412, MONDO:0007287, OMIM 116400.

Allele frequency attached by ClinVar (database versions not stated): gnomAD 0.00001; TOPMed 0.00002; ExAC 0.00014.
gnomAD v4.1: 94 of 1,612,322 alleles (0.0058%); highest among the groups gnomAD compares: South Asian, 0.082%; 1 homozygote.

Submissions (6):

Labcorp Genetics (formerly Invitae), Labcorp
Classification: Likely benign. Last evaluated: 2026-02-01. Review status: criteria provided, single submitter. Criteria: Invitae Variant Classification Sherloc (09022015). Collection method: clinical testing. Allele origin: germline.

CeGaT Center for Human Genetics Tuebingen
Classification: Likely benign. Last evaluated: 2025-12-01. Review status: criteria provided, single submitter. Criteria: CeGaT Center For Human Genetics Tuebingen Variant Classification Criteria Version 2. Collection method: clinical testing. Allele origin: germline. Affected: yes. Observed: 1 variant allele.
Comment: WFS1: BP4, BP7

Blueprint Genetics
Classification: Likely benign. Last evaluated: 2024-11-15. Review status: criteria provided, single submitter. Criteria: ACMG Guidelines, 2015. Collection method: clinical testing. Allele origin: germline.

Fulgent Genetics
Classification: Likely benign for Cataract 41; Type 2 diabetes mellitus; Wolfram syndrome 1; Autosomal dominant nonsyndromic hearing loss 6; Wolfram-like syndrome. Last evaluated: 2022-04-12. Review status: criteria provided, single submitter. Criteria: ACMG Guidelines, 2015. Collection method: clinical testing. Allele origin: unknown.

GeneDx
Classification: Likely benign. Last evaluated: 2019-06-27. Review status: criteria provided, single submitter. Criteria: GeneDx Variant Classification Process June 2021. Collection method: clinical testing. Allele origin: germline. Affected: yes.

Clinical Genomics, Uppaluri K&H Personalized Medicine Clinic
Classification: Likely benign for Wolfram syndrome 1. Review status: criteria provided, single submitter. Criteria: K & H Uppaluri Personalized Medicine Clinic Variant Classification & Assertion Criteria_Updated V.1. Collection method: research. Allele origin: unknown. Inheritance: Autosomal recessive inheritance.
Comment: Potent mutations in WFS1 gene are associated with Wolfram's syndrome, an autosomal recessive condition, which cause diabetes mellitus, diabetes insipidus, deafness and optic atrophy. However no sufficient evidence is found to ascertain the role of this particular variant rs776513501 in Wolfram's syndrome yet.

Literature cited by the submitters: PubMed 20738327 (cited by Clinical Genomics, Uppaluri K&H Personalized Medicine Clinic); PubMed 33879153 (cited by Clinical Genomics, Uppaluri K&H Personalized Medicine Clinic); PubMed 12955714 (cited by Clinical Genomics, Uppaluri K&H Personalized Medicine Clinic); PubMed 18060660 (cited by Clinical Genomics, Uppaluri K&H Personalized Medicine Clinic); PubMed 20301750 (cited by Clinical Genomics, Uppaluri K&H Personalized Medicine Clinic); PubMed 17603484 (cited by Clinical Genomics, Uppaluri K&H Personalized Medicine Clinic).

NM_006005.3(WFS1):c.1560G>A (p.Gln520=)

Gene: WFS1 (wolframin ER transmembrane glycoprotein; plus strand). Cytogenetic location: 4p16.1.
Variant type: single nucleotide variant.
Coding change: c.1560G>A on transcript NM_006005.3 (MANE Select); coding-DNA position 1560, G replaced by A.
Protein change: p.Gln520=; no amino-acid change (glutamine 520 retained).
Molecular consequence: synonymous variant.
Genome position (GRCh38, 1-based): chr4:6,301,355, G>A. VCF-style: chr4-6301355-G-A. GRCh37 (hg19) VCF-style: chr4-6303082-G-A.
Other names: c.1560G>A, p.Gln520= (NM_001145853.1).
Identifiers: ClinVar variation 681416 (VCV000681416.19), dbSNP rs776513501, ClinGen allele CA2839404.
Genomic context (GRCh38, chr4:6,301,355, plus strand): 5'-CGTCAGCGTCCCGTGCCTGCTCTATGTCTACCTGCTCTATCTCTTCTTCCGCATGGCACA[G>A]CTGAGGAATTTCAAGGGCACCTACTGCTACCTTGTGCCCTACCTGGTGTGCTTCATGTGG-3'
Protein context (NP_005996.2, residues 510-530): YLLYLFFRMA[Gln520=]LRNFKGTYCY